The following is an entry in ClinVar:

ClinVar aggregate classification (germline): Benign. Review status: criteria provided, multiple submitters, no conflicts (2 of 4 stars). 7 submissions from 7 submitters: Benign (7). Last evaluated 2026-01-24.

Conditions:
Marinesco-Sjögren syndrome (MSS). Also called: Marinesco-Sjogren Syndrome; Marinesco-SjÃ¶gren syndrome. Identifiers: Orphanet 559, MedGen C0024814, MONDO:0009567, OMIM 248800.

Allele frequency attached by ClinVar (database versions not stated): gnomAD exomes 0.00091; ExAC 0.00220; 1000 Genomes Project 30x 0.00359; gnomAD 0.00375 and 0.00410; 1000 Genomes Project 0.00399; ESP Exome Variant Server 0.00401; TOPMed 0.00410.
gnomAD v4.1: 1,045 of 1,564,220 alleles (0.067%); highest among the groups gnomAD compares: African/African-American, 1.2%; 8 homozygotes.

Submissions (7):

Labcorp Genetics (formerly Invitae), Labcorp
Classification: Benign for Marinesco-Sjögren syndrome. Last evaluated: 2026-01-24. Review status: criteria provided, single submitter. Criteria: Invitae Variant Classification Sherloc (09022015). Collection method: clinical testing. Allele origin: germline.

Mayo Clinic Laboratories, Mayo Clinic
Classification: Benign. Last evaluated: 2023-06-07. Review status: criteria provided, single submitter. Criteria: ACMG Guidelines, 2015. Collection method: clinical testing. Allele origin: germline. Observed: 6 variant alleles.
Comment: BA1, BP4, BP7

CeGaT Center for Human Genetics Tuebingen
Classification: Benign. Last evaluated: 2022-10-01. Review status: criteria provided, single submitter. Criteria: CeGaT Center For Human Genetics Tuebingen Variant Classification Criteria Version 2. Collection method: clinical testing. Allele origin: germline. Affected: yes. Observed: 1 variant allele.
Comment: SIL1: BP4, BP7, BS1, BS2

GeneDx
Classification: Benign. Last evaluated: 2020-08-05. Review status: criteria provided, single submitter. Criteria: GeneDx Variant Classification Process June 2021. Collection method: clinical testing. Allele origin: germline. Affected: yes.

Athena Diagnostics
Classification: Benign. Last evaluated: 2019-04-24. Review status: criteria provided, single submitter. Criteria: Athena Diagnostics Criteria. Collection method: clinical testing. Allele origin: germline.

Illumina Laboratory Services, Illumina
Classification: Benign for Marinesco-Sjögren syndrome. Last evaluated: 2018-01-13. Review status: criteria provided, single submitter. Criteria: ICSL Variant Classification Criteria 13 December 2019. Collection method: clinical testing. Allele origin: germline.
Comment: This variant was observed in the ICSL laboratory as part of a predisposition screen in an ostensibly healthy population. It had not been previously curated by ICSL or reported in the Human Gene Mutation Database (HGMD: prior to June 1st, 2018), and was therefore a candidate for classification through an automated scoring system. Utilizing variant allele frequency, disease prevalence and penetrance estimates, and inheritance mode, an automated score was calculated to assess if this variant is too frequent to cause the disease. Based on the score and internal cut-off values, a variant classified as benign is not then subjected to further curation. The score for this variant resulted in a classification of benign for this disease.

PreventionGenetics, part of Exact Sciences
Classification: Benign. Review status: criteria provided, single submitter. Criteria: ACMG Guidelines, 2015. Collection method: clinical testing. Allele origin: germline.

NM_022464.5(SIL1):c.900C>T (p.Phe300=)

Gene: SIL1 (SIL1 nucleotide exchange factor; minus strand). Cytogenetic location: 5q31.2.
Variant type: single nucleotide variant.
Coding change: c.900C>T on transcript NM_022464.5 (MANE Select); coding-DNA position 900, C replaced by T.
Protein change: p.Phe300=; no amino-acid change (phenylalanine 300 retained).
Molecular consequence: synonymous variant.
Genome position (GRCh38, 1-based): chr5:138,951,300, G>A on the plus strand (C>T on the coding strand, the complement: SIL1 is on the minus strand). VCF-style: chr5-138951300-G-A. GRCh37 (hg19) VCF-style: chr5-138286989-G-A.
Other names: p.Phe300=; c.900C>T, p.Phe300= (NM_001037633.2).
Identifiers: ClinVar variation 261602 (VCV000261602.49), dbSNP rs35080367, ClinGen allele CA3432444.